The following is an entry in ClinVar:

NM_020436.5(SALL4):c.2899G>A (p.Val967Ile)

Gene: SALL4 (spalt like transcription factor 4; minus strand). Cytogenetic location: 20q13.2.
Variant type: single nucleotide variant.
Coding change: c.2899G>A on transcript NM_020436.5 (MANE Select); coding-DNA position 2899, G replaced by A.
Protein change: p.Val967Ile; replaces valine 967 with isoleucine.
Molecular consequence: missense variant.
Genome position (GRCh38, 1-based): chr20:51,784,528, C>T on the plus strand (G>A on the coding strand, the complement: SALL4 is on the minus strand). VCF-style: chr20-51784528-C-T. GRCh37 (hg19) VCF-style: chr20-50401067-C-T.
Other names: c.1588G>A, p.Val530Ile (NM_001318031.2); short protein forms V530I, V967I.
Identifiers: ClinVar variation 1309665 (VCV001309665.2), dbSNP rs752210793, ClinGen allele CA9911978.

ClinVar aggregate classification (germline): Uncertain significance (1 of 4 stars; one submission).

Allele frequency attached by ClinVar (database versions not stated): TOPMed below 0.00001; gnomAD 0.00001; gnomAD exomes 0.00001 and 0.00002; ExAC 0.00003.
gnomAD v4.1: 8 of 1,614,080 alleles (0.0005%); highest among the groups gnomAD compares: Non-Finnish European, 0.00068%; no homozygotes.

Submission:

GeneDx
Classification: Uncertain significance. Last evaluated: 2019-10-21. Review status: criteria provided, single submitter. Criteria: GeneDx Variant Classification Process June 2021. Collection method: clinical testing. Allele origin: germline. Affected: yes.
Comment: Not observed at a significant frequency in large population cohorts (Lek et al., 2016); In silico analysis, which includes protein predictors and evolutionary conservation, supports that this variant does not alter protein structure/function; Has not been previously published as pathogenic or benign to our knowledge